The following is an entry in ClinVar:

NM_182643.3(DLC1):c.860G>T (p.Gly287Val)

Gene: DLC1 (DLC1 Rho GTPase activating protein; minus strand). Cytogenetic location: 8p22.
Variant type: single nucleotide variant.
Coding change: c.860G>T on transcript NM_182643.3 (MANE Select); coding-DNA position 860, G replaced by T.
Protein change: p.Gly287Val; replaces glycine 287 with valine.
Molecular consequence: missense variant. On other transcripts: 5 prime UTR variant (1).
Genome position (GRCh38, 1-based): chr8:13,499,212, C>A on the plus strand (G>T on the coding strand, the complement: DLC1 is on the minus strand). VCF-style: chr8-13499212-C-A. GRCh37 (hg19) VCF-style: chr8-13356721-C-A.
Other names: c.860G>T, p.Gly287Val (NM_001348081.2, NM_001413124.1, NM_001413125.1 and 1 more transcripts); c.-592G>T (NM_001348082.2); short protein forms G287V.
Identifiers: ClinVar variation 3718374 (VCV003718374.2).
Genomic context (GRCh38, chr8:13,499,212, plus strand): 5'-GGACTTTTGTTTTGATGTTGTGAAAAACCACTCTTCTCCAGGCCATTTTCAGCTGACATT[C>A]CATTGGGGCAGGAAGGAGGCTGCAGAAGGCAGCTTCCAAAATCTGTTTTTAATAATGGCA-3'
Protein context (NP_872584.2, residues 277-297): CLLQPPSCPN[Gly287Val]MSAENGLEKS

ClinVar aggregate classification (germline): Uncertain significance (1 of 4 stars; one submission).

gnomAD v4.1: 67 of 1,614,010 alleles (0.0042%); highest among the groups gnomAD compares: Middle Eastern, 0.033%; no homozygotes.

Submission:

Labcorp Genetics (formerly Invitae), Labcorp
Classification: Uncertain significance. Last evaluated: 2024-03-25. Review status: criteria provided, single submitter. Criteria: Invitae Variant Classification Sherloc (09022015). Collection method: clinical testing. Allele origin: germline.
Comment: This sequence change replaces glycine, which is neutral and non-polar, with valine, which is neutral and non-polar, at codon 287 of the DLC1 protein (p.Gly287Val). This variant is present in population databases (rs35445357, gnomAD 0.1%), and has an allele count higher than expected for a pathogenic variant. This variant has not been reported in the literature in individuals affected with DLC1-related conditions. An algorithm developed to predict the effect of missense changes on protein structure and function (PolyPhen-2) suggests that this variant is likely to be tolerated. In summary, the available evidence is currently insufficient to determine the role of this variant in disease. Therefore, it has been classified as a Variant of Uncertain Significance.